The following is an entry in ClinVar:

ClinVar aggregate classification (germline): Likely benign. Review status: criteria provided, single submitter (1 of 4 stars). 2 submissions from 2 submitters: Likely benign (1). 1 of the submissions does not count toward it. Last evaluated 2024-11-19.

Conditions:
Isolated microphthalmia 5. Also called: Posterior Microphthalmia with Retinitis Pigmentosa, Foveoschisis, and Optic Disc Drusen. Identifiers: Orphanet 251279, MedGen C1970236, MONDO:0012605, OMIM 611040.
MFRP-related disorder. Also called: MFRP-related condition; MFRP-related disorders.

Allele frequency attached by ClinVar (database versions not stated): TOPMed 0.00004; ExAC 0.00006; gnomAD 0.00002 and 0.00004; 1000 Genomes Project 0.00040; 1000 Genomes Project 30x 0.00031.
gnomAD v4.1: 102 of 1,585,046 alleles (0.0064%); highest among the groups gnomAD compares: Non-Finnish European, 0.0083%; no homozygotes.

Submissions (2):

Labcorp Genetics (formerly Invitae), Labcorp
Classification: Likely benign for Isolated microphthalmia 5. Last evaluated: 2024-11-19. Review status: criteria provided, single submitter. Criteria: Invitae Variant Classification Sherloc (09022015). Collection method: clinical testing. Allele origin: germline.

PreventionGenetics, part of Exact Sciences
Classification: Likely benign for MFRP-related condition. Last evaluated: 2019-08-28. Review status: no assertion criteria provided. Collection method: clinical testing. Allele origin: germline. Not counted in ClinVar's aggregate classification.
Comment: This variant is classified as likely benign based on ACMG/AMP sequence variant interpretation guidelines (Richards et al. 2015 PMID: 25741868, with internal and published modifications).

NM_031433.4(MFRP):c.158-4G>A

Genes: C1QTNF5 (C1q and TNF related 5; minus strand), MFRP (membrane frizzled-related protein; minus strand). Cytogenetic location: 11q23.3.
Variant type: single nucleotide variant.
Coding change: c.158-4G>A on transcript NM_031433.4 (MANE Select); 4 bases into the intron before coding-DNA position 158, G replaced by A.
Molecular consequence: intron variant.
Genome position (GRCh38, 1-based): chr11:119,346,163, C>T on the plus strand (G>A on the coding strand, the complement: MFRP is on the minus strand). VCF-style: chr11-119346163-C-T. GRCh37 (hg19) VCF-style: chr11-119216873-C-T.
Other names: c.-2479-4G>A (NM_015645.5).
Identifiers: ClinVar variation 1147917 (VCV001147917.11), dbSNP rs560861324, ClinGen allele CA6320681.